The following is an entry in ClinVar:

NM_000135.4(FANCA):c.1471-7T>A

Gene: FANCA (FA complementation group A; minus strand). Cytogenetic location: 16q24.3.
Variant type: single nucleotide variant.
Coding change: c.1471-7T>A on transcript NM_000135.4 (MANE Select); 7 bases into the intron before coding-DNA position 1471, T replaced by A.
Molecular consequence: intron variant.
Genome position (GRCh38, 1-based): chr16:89,783,109, A>T on the plus strand (T>A on the coding strand, the complement: FANCA is on the minus strand). VCF-style: chr16-89783109-A-T. GRCh37 (hg19) VCF-style: chr16-89849517-A-T.
Other names: c.1471-7T>A (NM_001286167.3).
Identifiers: ClinVar variation 2046281 (VCV002046281.1), dbSNP rs370644164, ClinGen allele CA8252297.

ClinVar aggregate classification (germline): Uncertain significance (1 of 4 stars; one submission).

Conditions:
Fanconi anemia (FA). Also called: Fanconi's anemia. Identifiers: Orphanet 84, MedGen C0015625, MeSH D005199, MONDO:0019391.

Allele frequency attached by ClinVar (database versions not stated): ExAC 0.00002; ESP Exome Variant Server 0.00008.
gnomAD v4.1: 52 of 1,606,220 alleles (0.0032%); highest among the groups gnomAD compares: Non-Finnish European, 0.0039%; no homozygotes.

Submission:

Labcorp Genetics (formerly Invitae), Labcorp
Classification: Uncertain significance for Fanconi anemia. Last evaluated: 2021-10-24. Review status: criteria provided, single submitter. Criteria: Invitae Variant Classification Sherloc (09022015). Collection method: clinical testing. Allele origin: germline.
Comment: This sequence change falls in intron 15 of the FANCA gene. It does not directly change the encoded amino acid sequence of the FANCA protein. This variant is present in population databases (rs370644164, ExAC 0.01%). This variant has not been reported in the literature in individuals affected with FANCA-related conditions. Algorithms developed to predict the effect of sequence changes on RNA splicing suggest that this variant may disrupt the consensus splice site. In summary, the available evidence is currently insufficient to determine the role of this variant in disease. Therefore, it has been classified as a Variant of Uncertain Significance.